The following is an entry in ClinVar:

NM_000535.7(PMS2):c.617T>A (p.Leu206His)

Gene: PMS2 (PMS1 homolog 2, mismatch repair system component; minus strand). Cytogenetic location: 7p22.1.
Variant type: single nucleotide variant.
Coding change: c.617T>A on transcript NM_000535.7 (MANE Select); coding-DNA position 617, T replaced by A.
Protein change: p.Leu206His; replaces leucine 206 with histidine.
Molecular consequence: missense variant. On other transcripts: 5 prime UTR variant (2), non-coding transcript variant (1), intron variant (1).
Genome position (GRCh38, 1-based): chr7:5,999,196, A>T on the plus strand (T>A on the coding strand, the complement: PMS2 is on the minus strand). VCF-style: chr7-5999196-A-T. GRCh37 (hg19) VCF-style: chr7-6038827-A-T.
Other names: c.212T>A, p.Leu71His (NM_001322003.2, NM_001322004.2, NM_001322005.2 and 2 more transcripts); c.617T>A, p.Leu206His (NM_001322006.2, NM_001322014.2); c.299T>A, p.Leu100His (NM_001322007.2, NM_001322008.2); c.-317T>A (NM_001322011.2, NM_001322012.2); c.308T>A, p.Leu103His (NM_001322015.2); c.133-1773T>A (NM_001322013.2); short protein forms L100H, L103H, L206H, L71H.
Identifiers: ClinVar variation 858549 (VCV000858549.9), dbSNP rs1784810263, ClinGen allele CA366743975.

ClinVar aggregate classification (germline): Uncertain significance (1 of 4 stars; one submission).

Conditions:
Hereditary nonpolyposis colorectal neoplasms. Identifiers: MedGen C0009405, MeSH D003123.

Submission:

Labcorp Genetics (formerly Invitae), Labcorp
Classification: Uncertain significance for Hereditary nonpolyposis colorectal neoplasms. Last evaluated: 2019-02-25. Review status: criteria provided, single submitter. Criteria: Invitae Variant Classification Sherloc (09022015). Collection method: clinical testing. Allele origin: germline.
Comment: In summary, the available evidence is currently insufficient to determine the role of this variant in disease. Therefore, it has been classified as a Variant of Uncertain Significance. Algorithms developed to predict the effect of missense changes on protein structure and function are either unavailable or do not agree on the potential impact of this missense change (SIFT: "Deleterious"; PolyPhen-2: "Benign"; Align-GVGD: "Class C0"). This variant has not been reported in the literature in individuals with PMS2-related conditions. This variant is not present in population databases (ExAC no frequency). This sequence change replaces leucine with histidine at codon 206 of the PMS2 protein (p.Leu206His). The leucine residue is weakly conserved and there is a moderate physicochemical difference between leucine and histidine.